The following is an entry in ClinVar:

ClinVar aggregate classification (germline): Conflicting classifications of pathogenicity. Review status: criteria provided, conflicting classifications (1 of 4 stars). 5 submissions from 5 submitters: Likely pathogenic (2); Uncertain significance (3). Last evaluated 2026-01-05.

Conditions:
Spastic paraplegia. Identifiers: MedGen C0037772, HP:0001258.
Leukodystrophy, hypomyelinating, 2. Also called: PELIZAEUS-MERZBACHER-LIKE DISEASE, 1. Identifiers: Orphanet 280270, Orphanet 280282, MedGen C1837355, MONDO:0012125, OMIM 608804.
Spastic ataxia. Identifiers: Orphanet 316226, MedGen C1849156, MONDO:0017845, HP:0002497.

Allele frequency attached by ClinVar (database versions not stated): gnomAD 0.00006 and 0.00007; ESP Exome Variant Server 0.00008.

Submissions (5):

Labcorp Genetics (formerly Invitae), Labcorp
Classification: Uncertain significance for Spastic paraplegia. Last evaluated: 2026-01-05. Review status: criteria provided, single submitter. Criteria: Invitae Variant Classification Sherloc (09022015). Collection method: clinical testing. Allele origin: germline.
Comment: This sequence change replaces arginine, which is basic and polar, with leucine, which is neutral and non-polar, at codon 101 of the GJC2 protein (p.Arg101Leu). This variant is present in population databases (rs375288744, gnomAD 0.08%). This missense change has been observed in individual(s) with clinical features of autosomal recessive GJC2-related conditions (PMID: 22833003, 25059390). This variant is also known as c.293G>T (p.Arg98Leu). ClinVar contains an entry for this variant (Variation ID: 1027431). Invitae Evidence Modeling of protein sequence and biophysical properties (such as structural, functional, and spatial information, amino acid conservation, physicochemical variation, residue mobility, and thermodynamic stability) indicates that this missense variant is expected to disrupt GJC2 protein function with a positive predictive value of 95%. Experimental studies have shown that this missense change affects GJC2 function (PMID: 25059390). In summary, the available evidence is currently insufficient to determine the role of this variant in disease. Therefore, it has been classified as a Variant of Uncertain Significance.

GeneDx
Classification: Uncertain significance. Last evaluated: 2025-12-30. Review status: criteria provided, single submitter. Criteria: GeneDx Variant Classification Process June 2021. Collection method: clinical testing. Allele origin: germline.
Comment: In silico analysis supports that this missense variant has a deleterious effect on protein structure/function; Also known as c.293G>T; p.Arg98Leu; This variant is associated with the following publications: (PMID: 25059390, 37915394, 34445196, 33190326, 22833003)

Blueprint Genetics
Classification: Uncertain significance. Last evaluated: 2024-03-16. Review status: criteria provided, single submitter. Criteria: ACMG Guidelines, 2015. Collection method: clinical testing. Allele origin: germline.

Women's Health and Genetics/Laboratory Corporation of America, LabCorp
Classification: Likely pathogenic for Leukodystrophy, hypomyelinating, 2. Last evaluated: 2022-09-08. Review status: criteria provided, single submitter. Criteria: LabCorp Variant Classification Summary - May 2015. Collection method: clinical testing. Allele origin: germline.
Comment: Variant summary: GJC2 c.302G>T (p.Arg101Leu) results in a non-conservative amino acid change located in the Connexin, N-terminal domain of the encoded protein sequence. Five of five in-silico tools predict a damaging effect of the variant on protein function. The variant allele was found at a frequency of 3.9e-05 in 233518 control chromosomes. c.302G>T has been reported in the literature in individuals affected with late onset Spinocerebellar ataxia (Galatolo_2021), subclinical leukodystrophy (Abrams_2014), early onset hypomyelinating leukodystrophies (Di Bella_2021) and in a patient with adult-onset segmental dystonia associated with leg spasticity and whose MRI shows hypomyelination (Zittel_2012). Additionally, in functional studies the mutant formed normal appearing gap junction plaques, however cell pairs expressing the Arg98Leu mutant had reduced levels of total junctional conductance (Abrams_2014). One clinical diagnostic laboratory has submitted clinical-significance assessments for this variant to ClinVar after 2014 without evidence for independent evaluation. One laboratory classified the variant as likely pathogenic. Based on the evidence outlined above, the variant was classified as likely pathogenic.

Molecular Medicine for Neurodegenerative and Neuromuscular Diseases Unit, IRCCS Fondazione Stella Maris
Classification: Likely pathogenic for Spastic ataxia. Last evaluated: 2021-07-12. Review status: criteria provided, single submitter. Criteria: ACMG Guidelines, 2015. Collection method: research. Allele origin: unknown. Affected: yes.

Literature cited by the submitters: PubMed 22833003 (cited by Labcorp Genetics (formerly Invitae), Labcorp and Women's Health and Genetics/Laboratory Corporation of America, LabCorp); PubMed 25059390 (cited by Labcorp Genetics (formerly Invitae), Labcorp and Women's Health and Genetics/Laboratory Corporation of America, LabCorp); PubMed 34445196 (cited by Women's Health and Genetics/Laboratory Corporation of America, LabCorp); PubMed 33190326 (cited by Women's Health and Genetics/Laboratory Corporation of America, LabCorp).

NM_020435.4(GJC2):c.302G>T (p.Arg101Leu)

Gene: GJC2 (gap junction protein gamma 2; plus strand). Cytogenetic location: 1q42.13.
Variant type: single nucleotide variant.
Coding change: c.302G>T on transcript NM_020435.4 (MANE Select); coding-DNA position 302, G replaced by T.
Protein change: p.Arg101Leu; replaces arginine 101 with leucine.
Molecular consequence: missense variant.
Genome position (GRCh38, 1-based): chr1:228,158,060, G>T. VCF-style: chr1-228158060-G-T. GRCh37 (hg19) VCF-style: chr1-228345761-G-T.
Other names: c.302G>T (NM_020435.3); short protein forms R101L.
Identifiers: ClinVar variation 1027431 (VCV001027431.10), dbSNP rs375288744, ClinGen allele CA1430839.